The following is an entry in ClinVar:

ClinVar aggregate classification (germline): Uncertain significance (1 of 4 stars; one submission).

Conditions:
Hereditary pheochromocytoma and paraganglioma. Also called: Hereditary pheochromocytoma-paraganglioma; Hereditary Paraganglioma-Pheochromocytoma Syndromes; Hereditary paragangliomas and pheochromocytomas. Identifiers: Orphanet 29072, MedGen C4274332, MONDO:0017366.

Submission:

Labcorp Genetics (formerly Invitae), Labcorp
Classification: Uncertain significance for Hereditary pheochromocytoma and paraganglioma. Last evaluated: 2019-09-21. Review status: criteria provided, single submitter. Criteria: Invitae Variant Classification Sherloc (09022015). Collection method: clinical testing. Allele origin: germline.
Comment: This variant is not present in population databases (ExAC no frequency). This sequence change replaces isoleucine with phenylalanine at codon 227 of the TMEM127 protein (p.Ile227Phe). The isoleucine residue is moderately conserved and there is a small physicochemical difference between isoleucine and phenylalanine. This variant has not been reported in the literature in individuals with TMEM127-related conditions. Algorithms developed to predict the effect of missense changes on protein structure and function (SIFT, PolyPhen-2, Align-GVGD) all suggest that this variant is likely to be tolerated, but these predictions have not been confirmed by published functional studies and their clinical significance is uncertain. In summary, the available evidence is currently insufficient to determine the role of this variant in disease. Therefore, it has been classified as a Variant of Uncertain Significance.

NM_017849.4(TMEM127):c.679A>T (p.Ile227Phe)

Gene: TMEM127 (transmembrane protein 127; minus strand). Cytogenetic location: 2q11.2.
Variant type: single nucleotide variant.
Coding change: c.679A>T on transcript NM_017849.4 (MANE Select); coding-DNA position 679, A replaced by T.
Protein change: p.Ile227Phe; replaces isoleucine 227 with phenylalanine.
Molecular consequence: missense variant.
Genome position (GRCh38, 1-based): chr2:96,253,846, T>A on the plus strand (A>T on the coding strand, the complement: TMEM127 is on the minus strand). VCF-style: chr2-96253846-T-A. GRCh37 (hg19) VCF-style: chr2-96919584-T-A.
Other names: c.679A>T, p.Ile227Phe (NM_001193304.3); short protein forms I227F.
Identifiers: ClinVar variation 960226 (VCV000960226.9), dbSNP rs1684140655, ClinGen allele CA347651190.